The following is an entry in ClinVar:

ClinVar aggregate classification (germline): Pathogenic (1 of 4 stars; one submission).

Conditions:
Familial focal epilepsy with variable foci (FPEVF). Identifiers: Orphanet 98820, MedGen C1858477, MONDO:0020310.

Submission:

Labcorp Genetics (formerly Invitae), Labcorp
Classification: Pathogenic for Familial focal epilepsy with variable foci. Last evaluated: 2021-02-24. Review status: criteria provided, single submitter. Criteria: Invitae Variant Classification Sherloc (09022015). Collection method: clinical testing. Allele origin: germline.
Comment: This sequence change creates a premature translational stop signal (p.Cys477*) in the DEPDC5 gene. It is expected to result in an absent or disrupted protein product. Loss-of-function variants in DEPDC5 are known to be pathogenic (PMID: 23542697, 23542701). This variant is not present in population databases (ExAC no frequency). This variant has not been reported in the literature in individuals with DEPDC5-related conditions. For these reasons, this variant has been classified as Pathogenic.

Literature cited by the submitters: PubMed 23542697; PubMed 23542701.

NM_001242896.3(DEPDC5):c.1431C>A (p.Cys477Ter)

Gene: DEPDC5 (DEP domain containing 5, GATOR1 subcomplex subunit; plus strand). Cytogenetic location: 22q12.3.
Variant type: single nucleotide variant.
Coding change: c.1431C>A on transcript NM_001242896.3 (MANE Select); coding-DNA position 1431, C replaced by A.
Protein change: p.Cys477Ter; replaces cysteine 477 with a stop codon.
Molecular consequence: nonsense. On other transcripts: non-coding transcript variant (5).
Genome position (GRCh38, 1-based): chr22:31,810,627, C>A. VCF-style: chr22-31810627-C-A. GRCh37 (hg19) VCF-style: chr22-32206613-C-A.
Other names: c.1431C>A, p.Cys477Ter (NM_001007188.4, NM_001136029.4, NM_001242897.2 and 7 more transcripts); c.1347C>A, p.Cys449Ter (NM_001369901.1, NM_001369902.1); short protein forms C477*, C449*.
Identifiers: ClinVar variation 1458371 (VCV001458371.6), dbSNP rs2148708041, ClinGen allele CA411277030.